The following is an entry in ClinVar:

ClinVar aggregate classification (germline): Uncertain significance (1 of 4 stars; one submission).

Conditions:
Cardiovascular phenotype. Identifiers: MedGen CN230736.

Submission:

Ambry Genetics
Classification: Uncertain significance for Cardiovascular phenotype. Last evaluated: 2023-12-20. Review status: criteria provided, single submitter. Criteria: Ambry Variant Classification Scheme 2023. Collection method: clinical testing. Allele origin: germline.
Comment: The c.4829-3C>T intronic variant results from a C to T substitution 3 nucleotides upstream from coding exon 40 in the CACNA1C gene. This nucleotide position is not well conserved in available vertebrate species. In silico splice site analysis predicts that this alteration will not have any significant effect on splicing. Since supporting evidence is limited at this time, the clinical significance of this alteration remains unclear.

NM_000719.7(CACNA1C):c.4829-3C>T

Genes: CACNA1C-AS1 (CACNA1C antisense RNA 1; minus strand), CACNA1C (calcium voltage-gated channel subunit alpha1 C; plus strand). Cytogenetic location: 12p13.33.
Variant type: single nucleotide variant.
Coding change: c.4829-3C>T on transcript NM_000719.7 (MANE Select); 3 bases into the intron before coding-DNA position 4829, C replaced by T.
Molecular consequence: intron variant. On other transcripts: non-coding transcript variant (1).
Genome position (GRCh38, 1-based): chr12:2,677,091, C>T. VCF-style: chr12-2677091-C-T. GRCh37 (hg19) VCF-style: chr12-2786257-C-T.
Other names: c.4829-3C>T (NM_001167624.3, NM_001167623.2, NM_001129840.2 and 4 more transcripts); c.4796-3C>T (NM_001167625.2, NM_001129846.2); c.4973-3C>T (NM_199460.4, NM_001129827.2); c.4889-3C>T (NM_001129832.2); c.4913-3C>T (NM_001129831.2); c.4886-3C>T (NM_001129833.2, NM_001129834.2, NM_001129835.2); c.4952-3C>T (NM_001129829.2); c.4853-3C>T (NM_001129837.2, NM_001129838.2); and 3 more.
Identifiers: ClinVar variation 3232237 (VCV003232237.1), dbSNP rs2531945747, ClinGen allele CA477892482.
Genomic context (GRCh38, chr12:2,677,091, plus strand): 5'-ATGAAGTTCAACTGAATTCCCCTGCTCCCCTCTTACCCCCTCTCCCCTCTCCATACGTCT[C>T]AGATGATGAGGTCACCGTTGGCAAGTTCTACGCCACGTTCCTGATCCAGGAGTACTTCCG-3'